The following is an entry in ClinVar:

NM_014687.4(RUBCN):c.167G>A (p.Arg56Gln)

Gene: RUBCN (rubicon autophagy regulator; minus strand). Cytogenetic location: 3q29.
Variant type: single nucleotide variant.
Coding change: c.167G>A on transcript NM_014687.4 (MANE Select); coding-DNA position 167, G replaced by A.
Protein change: p.Arg56Gln; replaces arginine 56 with glutamine.
Molecular consequence: missense variant. On other transcripts: 5 prime UTR variant (1).
Genome position (GRCh38, 1-based): chr3:197,718,029, C>T on the plus strand (G>A on the coding strand, the complement: RUBCN is on the minus strand). VCF-style: chr3-197718029-C-T. GRCh37 (hg19) VCF-style: chr3-197444900-C-T.
Other names: c.-14G>A (NM_001145642.5); c.167G>A, p.Arg56Gln (NM_001346873.2); short protein forms R56Q.
Identifiers: ClinVar variation 3898250 (VCV003898250.7).
Genomic context (GRCh38, chr3:197,718,029, plus strand): 5'-CTGCATACCTGGTCACGGATAAGCCCGTGATAGAGGATGCTCTGCATGTCCCTGCAAAGC[C>T]GCTCCAAGCCACCATACTTAGACCAGACGTTGGGGCTGTTGGTTGATACCAAACCCTCCA-3'
Protein context (NP_055502.1, residues 46-66): NVWSKYGGLE[Arg56Gln]LCRDMQSILY

ClinVar aggregate classification (germline): Uncertain significance (1 of 4 stars; one submission).

gnomAD v4.1: 17 of 1,614,004 alleles (0.0011%); highest among the groups gnomAD compares: East Asian, 0.0022%; no homozygotes.

Submission:

CeGaT Center for Human Genetics Tuebingen
Classification: Uncertain significance. Last evaluated: 2025-04-01. Review status: criteria provided, single submitter. Criteria: CeGaT Center For Human Genetics Tuebingen Variant Classification Criteria Version 2. Collection method: clinical testing. Allele origin: germline. Affected: yes. Observed: 1 variant allele.
Comment: RUBCN: PM2